The following is an entry in ClinVar:

ClinVar aggregate classification (germline): Uncertain significance (1 of 4 stars; one submission).

Submission:

Labcorp Genetics (formerly Invitae), Labcorp
Classification: Uncertain significance. Last evaluated: 2025-07-27. Review status: criteria provided, single submitter. Criteria: Invitae Variant Classification Sherloc (09022015). Collection method: clinical testing. Allele origin: germline.
Comment: This sequence change replaces serine, which is neutral and polar, with asparagine, which is neutral and polar, at codon 716 of the TECTA protein (p.Ser716Asn). This variant is not present in population databases (gnomAD no frequency). This variant has not been reported in the literature in individuals affected with TECTA-related conditions. Invitae Evidence Modeling of protein sequence and biophysical properties (such as structural, functional, and spatial information, amino acid conservation, physicochemical variation, residue mobility, and thermodynamic stability) indicates that this missense variant is not expected to disrupt TECTA protein function with a negative predictive value of 95%. In summary, the available evidence is currently insufficient to determine the role of this variant in disease. Therefore, it has been classified as a Variant of Uncertain Significance.

NM_005422.4(TECTA):c.2147G>A (p.Ser716Asn)

Genes: TBCEL-TECTA (TBCEL-TECTA readthrough; plus strand), TECTA (tectorin alpha; plus strand). Cytogenetic location: 11q23.3.
Variant type: single nucleotide variant.
Coding change: c.2147G>A on transcript NM_005422.4 (MANE Select); coding-DNA position 2147, G replaced by A.
Protein change: p.Ser716Asn; replaces serine 716 with asparagine.
Molecular consequence: missense variant.
Genome position (GRCh38, 1-based): chr11:121,128,124, G>A. VCF-style: chr11-121128124-G-A. GRCh37 (hg19) VCF-style: chr11-120998833-G-A.
Other names: c.3104G>A, p.Ser1035Asn (NM_001378761.1); short protein forms S1035N, S716N.
Identifiers: ClinVar variation 4800634 (VCV004800634.1).
Genomic context (GRCh38, chr11:121,128,124, plus strand): 5'-GCGCCGTGGAGGACGGCTACCAGGGCTGCTTCCCCAAGCGGGAGACCGTGTGCCTGCTCA[G>A]CCAGAACCAGGTGCTGCACACCTTTGACGGCGCCTCCTACGCCTTCCCCTCCGAGTTCTC-3'
Protein context (NP_005413.2, residues 706-726): FPKRETVCLL[Ser716Asn]QNQVLHTFDG